The following is an entry in ClinVar:

NM_000243.3(MEFV):c.1984A>G (p.Lys662Glu)

Genes: MEFV (MEFV innate immunity regulator, pyrin; minus strand), LOC126862264 (CDK7 strongly-dependent group 2 enhancer GRCh37_chr16:3293322-3294521; plus strand). Cytogenetic location: 16p13.3.
Variant type: single nucleotide variant.
Coding change: c.1984A>G on transcript NM_000243.3 (MANE Select); coding-DNA position 1984, A replaced by G.
Protein change: p.Lys662Glu; replaces lysine 662 with glutamic acid.
Molecular consequence: missense variant. On other transcripts: 3 prime UTR variant (1).
Genome position (GRCh38, 1-based): chr16:3,243,503, T>C on the plus strand (A>G on the coding strand, the complement: MEFV is on the minus strand). VCF-style: chr16-3243503-T-C. GRCh37 (hg19) VCF-style: chr16-3293503-T-C.
Other names: c.*188A>G (NM_001198536.2); short protein forms K662E.
Identifiers: ClinVar variation 945605 (VCV000945605.11), dbSNP rs1348832741, ClinGen allele CA394487158.

ClinVar aggregate classification (germline): Uncertain significance. Review status: criteria provided, single submitter (1 of 4 stars). 2 submissions from 2 submitters: Uncertain significance (1). 1 of the submissions does not count toward it. Last evaluated 2022-11-21.

Conditions:
Familial Mediterranean fever (FMF). Also called: POLYSEROSITIS, FAMILIAL PAROXYSMAL; POLYSEROSITIS, RECURRENT; Periodic peritonitis; Benign paroxysmal peritonitis. Identifiers: Orphanet 342, MedGen C0031069, MONDO:0018088, OMIM 249100. Disease mechanism: gain of function.

Allele frequency attached by ClinVar (database versions not stated): gnomAD 0.00009 and 0.00008; gnomAD exomes 0.00002 and 0.00001; TOPMed 0.00011.
gnomAD v4.1: 16 of 1,613,964 alleles (0.00099%); highest among the groups gnomAD compares: Admixed American, 0.025%; no homozygotes.

Submissions (2):

Labcorp Genetics (formerly Invitae), Labcorp
Classification: Uncertain significance for Familial Mediterranean fever. Last evaluated: 2022-11-21. Review status: criteria provided, single submitter. Criteria: Invitae Variant Classification Sherloc (09022015). Collection method: clinical testing. Allele origin: germline.
Comment: In summary, the available evidence is currently insufficient to determine the role of this variant in disease. Therefore, it has been classified as a Variant of Uncertain Significance. Algorithms developed to predict the effect of missense changes on protein structure and function output the following: SIFT: "Deleterious"; PolyPhen-2: "Probably Damaging"; Align-GVGD: "Class C0". The glutamic acid amino acid residue is found in multiple mammalian species, which suggests that this missense change does not adversely affect protein function. ClinVar contains an entry for this variant (Variation ID: 945605). This variant has not been reported in the literature in individuals affected with MEFV-related conditions. This variant is present in population databases (no rsID available, gnomAD 0.01%). This sequence change replaces lysine, which is basic and polar, with glutamic acid, which is acidic and polar, at codon 662 of the MEFV protein (p.Lys662Glu).

Natera, Inc.
Classification: Uncertain significance for Familial Mediterranean fever. Last evaluated: 2020-08-14. Review status: no assertion criteria provided. Collection method: clinical testing. Allele origin: germline. Not counted in ClinVar's aggregate classification.